The following is an entry in ClinVar:

ClinVar aggregate classification (germline): Uncertain significance. Review status: criteria provided, multiple submitters, no conflicts (2 of 4 stars). 2 submissions from 2 submitters: Uncertain significance (2). Last evaluated 2025-12-29.

Allele frequency attached by ClinVar (database versions not stated): TOPMed 0.00005; 1000 Genomes Project 30x 0.00031; ExAC 0.00009; gnomAD exomes 0.00008; gnomAD 0.00005; 1000 Genomes Project 0.00040.

Submissions (2):

Center for Genomic Medicine, Rigshospitalet, Copenhagen University Hospital
Classification: Uncertain significance. Last evaluated: 2025-12-29. Review status: criteria provided, single submitter. Criteria: ACMG Guidelines, 2015. Collection method: clinical testing. Allele origin: germline.

Labcorp Genetics (formerly Invitae), Labcorp
Classification: Uncertain significance. Last evaluated: 2025-07-09. Review status: criteria provided, single submitter. Criteria: Invitae Variant Classification Sherloc (09022015). Collection method: clinical testing. Allele origin: germline.
Comment: This sequence change replaces alanine, which is neutral and non-polar, with valine, which is neutral and non-polar, at codon 519 of the ACTN1 protein (p.Ala519Val). This variant is present in population databases (rs150426921, gnomAD 0.01%). This variant has not been reported in the literature in individuals affected with ACTN1-related conditions. ClinVar contains an entry for this variant (Variation ID: 2885018). Invitae Evidence Modeling of protein sequence and biophysical properties (such as structural, functional, and spatial information, amino acid conservation, physicochemical variation, residue mobility, and thermodynamic stability) has been performed for this missense variant. However, the output from this modeling did not meet the statistical confidence thresholds required to predict the impact of this variant on ACTN1 protein function. In summary, the available evidence is currently insufficient to determine the role of this variant in disease. Therefore, it has been classified as a Variant of Uncertain Significance.

NM_001130004.2(ACTN1):c.1556C>T (p.Ala519Val)

Gene: ACTN1 (actinin alpha 1; minus strand). Cytogenetic location: 14q24.1.
Variant type: single nucleotide variant.
Coding change: c.1556C>T on transcript NM_001130004.2 (MANE Select); coding-DNA position 1556, C replaced by T.
Protein change: p.Ala519Val; replaces alanine 519 with valine.
Molecular consequence: missense variant.
Genome position (GRCh38, 1-based): chr14:68,884,247, G>A on the plus strand (C>T on the coding strand, the complement: ACTN1 is on the minus strand). VCF-style: chr14-68884247-G-A. GRCh37 (hg19) VCF-style: chr14-69350964-G-A.
Other names: c.1580C>T, p.Ala527Val (NM_001424016.1, NM_001411035.1); c.1553C>T, p.Ala518Val (NM_001424017.1); c.1517C>T, p.Ala506Val (NM_001424018.1); c.1556C>T, p.Ala519Val (NM_001424019.1, NM_001424023.1, NM_001424024.1 and 7 more transcripts); c.1493C>T, p.Ala498Val (NM_001424020.1, NM_001424022.1); c.1487C>T, p.Ala496Val (NM_001424021.1); c.1361C>T, p.Ala454Val (NM_001411036.1, NM_001424026.1, NM_001424028.1); c.1682C>T, p.Ala561Val (NM_001424013.1); and 2 more; short protein forms A548V, A244V, A454V, A518V, A498V, A506V, A561V, A496V.
Identifiers: ClinVar variation 2885018 (VCV002885018.4), dbSNP rs150426921, ClinGen allele CA7242324.